The following is an entry in ClinVar:

ClinVar aggregate classification (germline): Uncertain significance (1 of 4 stars; one submission).

Allele frequency attached by ClinVar (database versions not stated): gnomAD exomes below 0.00001; TOPMed below 0.00001.

Submission:

Labcorp Genetics (formerly Invitae), Labcorp
Classification: Uncertain significance. Last evaluated: 2021-06-03. Review status: criteria provided, single submitter. Criteria: Invitae Variant Classification Sherloc (09022015). Collection method: clinical testing. Allele origin: germline.
Comment: In summary, the available evidence is currently insufficient to determine the role of this variant in disease. Therefore, it has been classified as a Variant of Uncertain Significance. Algorithms developed to predict the effect of missense changes on protein structure and function are either unavailable or do not agree on the potential impact of this missense change (SIFT: "Not Available"; PolyPhen-2: "Benign"; Align-GVGD: "Not Available"). This variant has not been reported in the literature in individuals with TIMM50-related conditions. This variant is not present in population databases (ExAC no frequency). This sequence change replaces glutamine with leucine at codon 40 of the TIMM50 protein (p.Gln40Leu). The glutamine residue is weakly conserved and there is a moderate physicochemical difference between glutamine and leucine.

NC_000019.10:g.39480663A>T

Gene: TIMM50 (translocase of inner mitochondrial membrane 50; plus strand). Cytogenetic location: 19q13.2.
Variant type: single nucleotide variant.
Genome position: GRCh38 VCF-style: chr19-39480663-A-T. GRCh37 (hg19) VCF-style: chr19-39971303-A-T.
Identifiers: ClinVar variation 1372796 (VCV001372796.8), dbSNP rs2079461878, ClinGen allele CA405785343.